The following is an entry in ClinVar:

ClinVar aggregate classification (germline): Conflicting classifications of pathogenicity. Review status: criteria provided, conflicting classifications (1 of 4 stars). 2 submissions from 2 submitters: Likely pathogenic (1); Uncertain significance (1). Last evaluated 2025-01-16.

Conditions:
Hereditary cancer-predisposing syndrome. Also called: Hereditary neoplastic syndrome; Neoplastic Syndromes, Hereditary; Hereditary Cancer Syndrome; Tumor predisposition. Identifiers: Orphanet 140162, MedGen C0027672, MeSH D009386, MONDO:0015356.
Multiple endocrine neoplasia, type 1 (MEN1). Also called: WERMER SYNDROME; Endocrine adenomatosis multiple; MEN 1; MEA I; MEN I. Identifiers: Orphanet 652, MedGen C0025267, MeSH D018761, MONDO:0007540, OMIM 131100.

Submissions (2):

Ambry Genetics
Classification: Likely pathogenic for Hereditary cancer-predisposing syndrome. Last evaluated: 2025-01-16. Review status: criteria provided, single submitter. Criteria: Ambry Variant Classification Scheme 2023. Collection method: clinical testing. Allele origin: germline.
Comment: The p.L13R variant (also known as c.38T>G), located in coding exon 1 of the MEN1 gene, results from a T to G substitution at nucleotide position 38. The leucine at codon 13 is replaced by arginine, an amino acid with dissimilar properties. This variant was reported in individual(s) with features consistent with multiple endocrine neoplasia type 1 (Ambry internal data). Based on internal structural analysis, this variant is anticipated to result in a significant decrease in structural stability and is more disruptive than known pathogenic variants (Ambry internal data). This variant is considered to be rare based on population cohorts in the Genome Aggregation Database (gnomAD). This amino acid position is well conserved in available vertebrate species. In addition, this alteration is predicted to be deleterious by in silico analysis. Based on the majority of available evidence to date, this variant is likely to be pathogenic.

Labcorp Genetics (formerly Invitae), Labcorp
Classification: Uncertain significance for Multiple endocrine neoplasia, type 1. Last evaluated: 2021-06-02. Review status: criteria provided, single submitter. Criteria: Invitae Variant Classification Sherloc (09022015). Collection method: clinical testing. Allele origin: germline.
Comment: This variant has been observed in individual(s) with clinical features of MEN1-related conditions (PMID: 10612827, Invitae). ClinVar contains an entry for this variant (Variation ID: 573176). In summary, the available evidence is currently insufficient to determine the role of this variant in disease. Therefore, it has been classified as a Variant of Uncertain Significance. Advanced modeling of protein sequence and biophysical properties (such as structural, functional, and spatial information, amino acid conservation, physicochemical variation, residue mobility, and thermodynamic stability) performed at Invitae indicates that this missense variant is expected to disrupt MEN1 protein function. This variant is not present in population databases (ExAC no frequency). This sequence change replaces leucine with arginine at codon 13 of the MEN1 protein (p.Leu13Arg). The leucine residue is highly conserved and there is a moderate physicochemical difference between leucine and arginine.

Literature cited by the submitters: PubMed 10612827 (cited by Labcorp Genetics (formerly Invitae), Labcorp).

NM_001370259.2(MEN1):c.38T>G (p.Leu13Arg)

Gene: MEN1 (menin 1; minus strand). Cytogenetic location: 11q13.1.
Variant type: single nucleotide variant.
Coding change: c.38T>G on transcript NM_001370259.2 (MANE Select); coding-DNA position 38, T replaced by G.
Protein change: p.Leu13Arg; replaces leucine 13 with arginine.
Molecular consequence: missense variant.
Genome position (GRCh38, 1-based): chr11:64,810,072, A>C on the plus strand (T>G on the coding strand, the complement: MEN1 is on the minus strand). VCF-style: chr11-64810072-A-C. GRCh37 (hg19) VCF-style: chr11-64577544-A-C.
Other names: c.38T>G, p.Leu13Arg (NM_000244.4, NM_001370251.2, NM_001370260.2 and 9 more transcripts); short protein forms L13R.
Identifiers: ClinVar variation 573176 (VCV000573176.9), dbSNP rs1262285748, ClinGen allele CA381188210.